The following is an entry in ClinVar:

NM_004329.3(BMPR1A):c.359G>A (p.Arg120Gln)

Gene: BMPR1A (bone morphogenetic protein receptor type 1A; plus strand). Cytogenetic location: 10q23.2.
Variant type: single nucleotide variant.
Coding change: c.359G>A on transcript NM_004329.3 (MANE Select); coding-DNA position 359, G replaced by A.
Protein change: p.Arg120Gln; replaces arginine 120 with glutamine.
Molecular consequence: missense variant.
Genome position (GRCh38, 1-based): chr10:86,899,819, G>A. VCF-style: chr10-86899819-G-A. GRCh37 (hg19) VCF-style: chr10-88659576-G-A.
Other names: short protein forms R120Q.
Identifiers: ClinVar variation 411632 (VCV000411632.18), dbSNP rs1060503401, ClinGen allele CA16612885.

ClinVar aggregate classification (germline): Uncertain significance. Review status: criteria provided, multiple submitters, no conflicts (2 of 4 stars). 5 submissions from 5 submitters: Uncertain significance (5). Last evaluated 2025-03-24.

Conditions:
Juvenile polyposis syndrome (JPS). Identifiers: Orphanet 2929, MedGen C0345893, MONDO:0017380, OMIM 174900.
Hereditary cancer-predisposing syndrome. Also called: Hereditary neoplastic syndrome; Neoplastic Syndromes, Hereditary; Tumor predisposition; Hereditary Cancer Syndrome. Identifiers: Orphanet 140162, MedGen C0027672, MeSH D009386, MONDO:0015356.

Allele frequency attached by ClinVar (database versions not stated): gnomAD exomes below 0.00001.
gnomAD v4.1: 2 of 1,613,964 alleles (0.00012%); highest among the groups gnomAD compares: Non-Finnish European, 0.00017%; no homozygotes.

Submissions (5):

Color Diagnostics, LLC DBA Color Health
Classification: Uncertain significance for Hereditary cancer-predisposing syndrome. Last evaluated: 2025-03-24. Review status: criteria provided, single submitter. Criteria: ACMG Guidelines, 2015. Collection method: clinical testing. Allele origin: germline.
Comment: This missense variant replaces arginine with glutamine at codon 120 of the BMPR1A protein. Computational prediction suggests that this variant may have deleterious impact on protein structure and function. To our knowledge, functional studies have not been reported for this variant. This variant has not been reported in individuals affected with hereditary cancer in the literature. This variant has not been identified in the general population by the Genome Aggregation Database (gnomAD). The available evidence is insufficient to determine the role of this variant in disease conclusively. Therefore, this variant is classified as a Variant of Uncertain Significance.

Ambry Genetics
Classification: Uncertain significance for Hereditary cancer-predisposing syndrome. Last evaluated: 2024-07-29. Review status: criteria provided, single submitter. Criteria: Ambry Variant Classification Scheme 2023. Collection method: clinical testing. Allele origin: germline.
Comment: The p.R120Q variant (also known as c.359G>A), located in coding exon 4 of the BMPR1A gene, results from a G to A substitution at nucleotide position 359. The arginine at codon 120 is replaced by glutamine, an amino acid with highly similar properties. This amino acid position is highly conserved in available vertebrate species. In addition, this alteration is predicted to be deleterious by in silico analysis. Based on the available evidence, the clinical significance of this variant remains unclear.

Labcorp Genetics (formerly Invitae), Labcorp
Classification: Uncertain significance for Juvenile polyposis syndrome. Last evaluated: 2024-06-28. Review status: criteria provided, single submitter. Criteria: Invitae Variant Classification Sherloc (09022015). Collection method: clinical testing. Allele origin: germline.
Comment: This sequence change replaces arginine, which is basic and polar, with glutamine, which is neutral and polar, at codon 120 of the BMPR1A protein (p.Arg120Gln). This variant is not present in population databases (gnomAD no frequency). This variant has not been reported in the literature in individuals affected with BMPR1A-related conditions. ClinVar contains an entry for this variant (Variation ID: 411632). Advanced modeling of protein sequence and biophysical properties (such as structural, functional, and spatial information, amino acid conservation, physicochemical variation, residue mobility, and thermodynamic stability) has been performed at Invitae for this missense variant, however the output from this modeling did not meet the statistical confidence thresholds required to predict the impact of this variant on BMPR1A protein function. In summary, the available evidence is currently insufficient to determine the role of this variant in disease. Therefore, it has been classified as a Variant of Uncertain Significance.

All of Us Research Program, National Institutes of Health
Classification: Uncertain significance for Juvenile polyposis syndrome. Last evaluated: 2023-06-08. Review status: criteria provided, single submitter. Criteria: ACMG Guidelines, 2015. Collection method: clinical testing. Allele origin: germline. Inheritance: Autosomal dominant inheritance. Observed: 1 variant allele, 1 heterozygote.
Comment: This missense variant replaces arginine with glutamine at codon 120 of the BMPR1A protein. Computational prediction suggests that this variant may have deleterious impact on protein structure and function (internally defined REVEL score threshold >= 0.7, PMID: 27666373). To our knowledge, functional studies have not been reported for this variant. This variant has not been reported in individuals affected with hereditary cancer in the literature. This variant has not been identified in the general population by the Genome Aggregation Database (gnomAD). The available evidence is insufficient to determine the role of this variant in disease conclusively. Therefore, this variant is classified as a Variant of Uncertain Significance.

This study involves interpretation of variants in research participants for the purpose of population health screening. Participant phenotype was not available at the time of variant classification. Additional details can be found in publication PMID: 35346344, PMCID: PMC8962531

GeneDx
Classification: Uncertain significance. Last evaluated: 2023-05-22. Review status: criteria provided, single submitter. Criteria: GeneDx Variant Classification Process June 2021. Collection method: clinical testing. Allele origin: germline. Affected: yes.
Comment: Not observed at significant frequency in large population cohorts (gnomAD); In silico analysis supports that this missense variant does not alter protein structure/function; Identified in an individual with breast cancer and a family history of colon cancer (Schoolmeester et al., 2017); This variant is associated with the following publications: (PMID: 22799562, 23433720, 10881198, 28709830)